The following is an entry in ClinVar:

NM_000059.4(BRCA2):c.1393del (p.Val464_Val465insTer)

Gene: BRCA2 (BRCA2 DNA repair associated; plus strand). Cytogenetic location: 13q13.1.
Variant type: Deletion.
Coding change: c.1393del on transcript NM_000059.4 (MANE Select); coding-DNA position 1393, one base deleted (G; older notation c.1393delG).
Protein change: p.Val464_Val465insTer.
Molecular consequence: nonsense.
Genome position (GRCh38, 1-based): chr13:32,332,871, G deleted; the last of 2 consecutive G bases (chr13:32,332,870-32,332,871); deleting either gives the same sequence. VCF-style (leftmost placement, unchanged base first): chr13-32332869-TG-T. GRCh37 (hg19) VCF-style: chr13-32907006-TG-T.
Other names: c.1393delG (NM_000059.3).
Identifiers: ClinVar variation 479296 (VCV000479296.5), dbSNP rs1555281890, ClinGen allele CA658656333.

ClinVar aggregate classification (germline): Pathogenic (1 of 4 stars; one submission).

Conditions:
Hereditary cancer-predisposing syndrome. Also called: Neoplastic Syndromes, Hereditary; Hereditary Cancer Syndrome; Hereditary neoplastic syndrome; Tumor predisposition. Identifiers: Orphanet 140162, MedGen C0027672, MeSH D009386, MONDO:0015356.

Submission:

Ambry Genetics
Classification: Pathogenic for Hereditary cancer-predisposing syndrome. Last evaluated: 2016-01-20. Review status: criteria provided, single submitter. Criteria: Ambry Variant Classification Scheme 2023. Collection method: clinical testing. Allele origin: germline.
Comment: The c.1393delG pathogenic mutation, located in coding exon 9 of the BRCA2 gene, results from a deletion of one nucleotide at position 1393, causing a translational frameshift with a predicted alternate stop codon. Since frameshifts are typically deleterious in nature, this alteration is interpreted as a disease-causing mutation (ACMG Recommendations for Standards for Interpretation and Reporting of Sequence Variations. Revision 2007. Genet Med. 2008;10:294).